The following is an entry in ClinVar:

ClinVar aggregate classification (germline): Uncertain significance (1 of 4 stars; one submission).

Conditions:
Rhabdoid tumor predisposition syndrome 2 (RTPS2). Identifiers: Orphanet 231108, Orphanet 69077, MedGen C2750074, MONDO:0013224, OMIM 613325.

Submission:

Labcorp Genetics (formerly Invitae), Labcorp
Classification: Uncertain significance for Rhabdoid tumor predisposition syndrome 2. Last evaluated: 2020-03-10. Review status: criteria provided, single submitter. Criteria: Invitae Variant Classification Sherloc (09022015). Collection method: clinical testing. Allele origin: germline.
Comment: In summary, the available evidence is currently insufficient to determine the role of this variant in disease. Therefore, it has been classified as a Variant of Uncertain Significance. This variant is not present in population databases (ExAC no frequency). Algorithms developed to predict the effect of missense changes on protein structure and function are either unavailable or do not agree on the potential impact of this missense change (SIFT: "Deleterious"; PolyPhen-2: "Benign"; Align-GVGD: "Class C0"). This variant has not been reported in the literature in individuals with SMARCA4-related conditions. This sequence change replaces serine with asparagine at codon 1508 of the SMARCA4 protein (p.Ser1508Asn). The serine residue is moderately conserved and there is a small physicochemical difference between serine and asparagine.

NM_003072.5(SMARCA4):c.4427G>A (p.Ser1476Asn)

Gene: SMARCA4 (SWI/SNF related BAF chromatin remodeling complex subunit ATPase 4; plus strand). Cytogenetic location: 19p13.2.
Variant type: single nucleotide variant.
Coding change: c.4427G>A on transcript NM_003072.5 (MANE Select); coding-DNA position 4427, G replaced by A.
Protein change: p.Ser1476Asn; replaces serine 1476 with asparagine.
Molecular consequence: missense variant. On other transcripts: splice acceptor variant (2).
Genome position (GRCh38, 1-based): chr19:11,058,257, G>A. VCF-style: chr19-11058257-G-A. GRCh37 (hg19) VCF-style: chr19-11168933-G-A.
Other names: c.4427G>A, p.Ser1476Asn (NM_001128844.3); c.4337G>A, p.Ser1446Asn (NM_001128845.2); c.4328G>A, p.Ser1443Asn (NM_001128847.4, NM_001374457.1); c.4523G>A, p.Ser1508Asn (NM_001128849.3, NM_001387283.1); c.4424G>A, p.Ser1475Asn (NM_001411150.1); c.4335-1G>A (NM_001128846.2); c.4326-1G>A (NM_001128848.2); short protein forms S1446N, S1476N, S1508N, S1443N, S1475N.
Identifiers: ClinVar variation 846696 (VCV000846696.10), dbSNP rs2076659111, ClinGen allele CA404077176.
Genomic context (GRCh38, chr19:11,058,257, plus strand): 5'-GGTGGGGGCTCCCGGGTGGGCGGACTCGGGGGTGATAGCCGCCGGTTCTGCCTTGCAGCA[G>A]CAGTGGACGTCAGCTCAGCGAGGTCTTCATCCAGCTGCCCTCGCGAAAGGAGCTGCCCGA-3'
Protein context (NP_003063.2, residues 1466-1486): VDAVIKYKDS[Ser1476Asn]SGRQLSEVFI